The following is an entry in ClinVar:

NM_018685.5(ANLN):c.736G>A (p.Ala246Thr)

Gene: ANLN (anillin, actin binding protein; plus strand). Cytogenetic location: 7p14.2.
Variant type: single nucleotide variant.
Coding change: c.736G>A on transcript NM_018685.5 (MANE Select); coding-DNA position 736, G replaced by A.
Protein change: p.Ala246Thr; replaces alanine 246 with threonine.
Molecular consequence: missense variant.
Genome position (GRCh38, 1-based): chr7:36,406,429, G>A. VCF-style: chr7-36406429-G-A. GRCh37 (hg19) VCF-style: chr7-36446038-G-A.
Other names: c.736G>A, p.Ala246Thr (NM_001284301.3, NM_001284302.3); short protein forms A246T.
Identifiers: ClinVar variation 1005923 (VCV001005923.8), dbSNP rs747938812, ClinGen allele CA4219403.

ClinVar aggregate classification (germline): Uncertain significance (1 of 4 stars; one submission).

Allele frequency attached by ClinVar (database versions not stated): gnomAD 0.00001; TOPMed 0.00001; ExAC 0.00002; gnomAD exomes 0.00002 and 0.00004.
gnomAD v4.1: 55 of 1,613,634 alleles (0.0034%); highest among the groups gnomAD compares: East Asian, 0.11%; 1 homozygote.

Submission:

Labcorp Genetics (formerly Invitae), Labcorp
Classification: Uncertain significance. Last evaluated: 2020-09-30. Review status: criteria provided, single submitter. Criteria: Invitae Variant Classification Sherloc (09022015). Collection method: clinical testing. Allele origin: germline.
Comment: In summary, the available evidence is currently insufficient to determine the role of this variant in disease. Therefore, it has been classified as a Variant of Uncertain Significance. Algorithms developed to predict the effect of missense changes on protein structure and function are either unavailable or do not agree on the potential impact of this missense change (SIFT: "Tolerated"; PolyPhen-2: "Probably Damaging"; Align-GVGD: "Class C0"). This variant has not been reported in the literature in individuals with ANLN-related conditions. This variant is present in population databases (rs747938812, ExAC 0.02%). This sequence change replaces alanine with threonine at codon 246 of the ANLN protein (p.Ala246Thr). The alanine residue is moderately conserved and there is a small physicochemical difference between alanine and threonine.